The following is an entry in ClinVar:

NM_001231.5(CASQ1):c.451G>T (p.Glu151Ter)

Gene: CASQ1 (calsequestrin 1; plus strand). Cytogenetic location: 1q23.2.
Variant type: single nucleotide variant.
Coding change: c.451G>T on transcript NM_001231.5 (MANE Select); coding-DNA position 451, G replaced by T.
Protein change: p.Glu151Ter; replaces glutamic acid 151 with a stop codon.
Molecular consequence: nonsense.
Genome position (GRCh38, 1-based): chr1:160,193,833, G>T. VCF-style: chr1-160193833-G-T. GRCh37 (hg19) VCF-style: chr1-160163623-G-T.
Other names: short protein forms E151*.
Identifiers: ClinVar variation 1937360 (VCV001937360.5), dbSNP rs147295702, ClinGen allele CA31496675.

ClinVar aggregate classification (germline): Uncertain significance (1 of 4 stars; one submission).

Allele frequency attached by ClinVar (database versions not stated): TOPMed 0.00003; gnomAD 0.00005; ESP Exome Variant Server 0.00008.

Submission:

Labcorp Genetics (formerly Invitae), Labcorp
Classification: Uncertain significance. Last evaluated: 2025-09-17. Review status: criteria provided, single submitter. Criteria: Invitae Variant Classification Sherloc (09022015). Collection method: clinical testing. Allele origin: germline.
Comment: This sequence change creates a premature translational stop signal (p.Glu151*) in the CASQ1 gene. It is expected to result in an absent or disrupted protein product. However, the current clinical and genetic evidence is not sufficient to establish whether loss-of-function variants in CASQ1 cause disease. This variant is present in population databases (rs147295702, gnomAD 0.008%). This variant has not been reported in the literature in individuals affected with CASQ1-related conditions. ClinVar contains an entry for this variant (Variation ID: 1937360). Algorithms developed to predict the effect of sequence changes on RNA splicing suggest that this variant may disrupt the consensus splice site. In summary, the available evidence is currently insufficient to determine the role of this variant in disease. Therefore, it has been classified as a Variant of Uncertain Significance.